The following is an entry in ClinVar:

ClinVar aggregate classification (germline): Uncertain significance. Review status: criteria provided, multiple submitters, no conflicts (2 of 4 stars). 3 submissions from 3 submitters: Uncertain significance (3). Last evaluated 2025-05-07.

Conditions:
Hereditary nonpolyposis colorectal neoplasms. Identifiers: MedGen C0009405, MeSH D003123.
Hereditary cancer-predisposing syndrome. Also called: Neoplastic Syndromes, Hereditary; Hereditary Cancer Syndrome; Hereditary neoplastic syndrome; Tumor predisposition. Identifiers: Orphanet 140162, MedGen C0027672, MeSH D009386, MONDO:0015356.

Submissions (3):

Ambry Genetics
Classification: Uncertain significance for Hereditary cancer-predisposing syndrome. Last evaluated: 2025-05-07. Review status: criteria provided, single submitter. Criteria: Ambry Variant Classification Scheme 2023. Collection method: clinical testing. Allele origin: germline.
Comment: The p.S1208F variant (also known as c.3623C>T), located in coding exon 7 of the MSH6 gene, results from a C to T substitution at nucleotide position 3623. The serine at codon 1208 is replaced by phenylalanine, an amino acid with highly dissimilar properties. This amino acid position is highly conserved in available vertebrate species. In addition, this alteration is predicted to be deleterious by in silico analysis. Based on the available evidence, the clinical significance of this variant remains unclear.

Labcorp Genetics (formerly Invitae), Labcorp
Classification: Uncertain significance for Hereditary nonpolyposis colorectal neoplasms. Last evaluated: 2023-10-14. Review status: criteria provided, single submitter. Criteria: Invitae Variant Classification Sherloc (09022015). Collection method: clinical testing. Allele origin: germline.
Comment: This sequence change replaces serine, which is neutral and polar, with phenylalanine, which is neutral and non-polar, at codon 1208 of the MSH6 protein (p.Ser1208Phe). This variant is not present in population databases (gnomAD no frequency). This variant has not been reported in the literature in individuals affected with MSH6-related conditions. ClinVar contains an entry for this variant (Variation ID: 932223). Advanced modeling of protein sequence and biophysical properties (such as structural, functional, and spatial information, amino acid conservation, physicochemical variation, residue mobility, and thermodynamic stability) performed at Invitae indicates that this missense variant is expected to disrupt MSH6 protein function. In summary, the available evidence is currently insufficient to determine the role of this variant in disease. Therefore, it has been classified as a Variant of Uncertain Significance.

Women's Health and Genetics/Laboratory Corporation of America, LabCorp
Classification: Uncertain significance. Last evaluated: 2020-05-22. Review status: criteria provided, single submitter. Criteria: LabCorp Variant Classification Summary - May 2015. Collection method: clinical testing. Allele origin: germline.
Comment: Variant summary: MSH6 c.3623C>T (p.Ser1208Phe) results in a non-conservative amino acid change located in the DNA mismatch repair protein MutS, C-terminal domain (IPR000432) of the encoded protein sequence. Five of five in-silico tools predict a damaging effect of the variant on protein function. The variant was absent in 251430 control chromosomes (gnomAD). The available data on variant occurrences in the general population are insufficient to allow any conclusion about variant significance. To our knowledge, no occurrence of c.3623C>T in individuals affected with Hereditary Nonpolyposis Colorectal Cancer and no experimental evidence demonstrating its impact on protein function have been reported. No clinical diagnostic laboratories have submitted clinical-significance assessments for this variant to ClinVar after 2014. Based on the evidence outlined above, the variant was classified as uncertain significance.

NM_000179.3(MSH6):c.3623C>T (p.Ser1208Phe)

Gene: MSH6 (mutS homolog 6; plus strand). Cytogenetic location: 2p16.3.
Variant type: single nucleotide variant.
Coding change: c.3623C>T on transcript NM_000179.3 (MANE Select); coding-DNA position 3623, C replaced by T.
Protein change: p.Ser1208Phe; replaces serine 1208 with phenylalanine.
Molecular consequence: missense variant.
Genome position (GRCh38, 1-based): chr2:47,805,684, C>T. VCF-style: chr2-47805684-C-T. GRCh37 (hg19) VCF-style: chr2-48032823-C-T.
Other names: c.3233C>T, p.Ser1078Phe (NM_001281492.2); c.2717C>T, p.Ser906Phe (NM_001281493.2, NM_001281494.2); short protein forms S1078F, S1208F, S906F.
Identifiers: ClinVar variation 932223 (VCV000932223.10), dbSNP rs1572742021, ClinGen allele CA346760592.